The following is an entry in ClinVar:

NM_004006.3(DMD):c.3374C>A (p.Ser1125Ter)

Gene: DMD (dystrophin; minus strand). Cytogenetic location: Xp21.1.
Variant type: single nucleotide variant.
Coding change: c.3374C>A on transcript NM_004006.3 (MANE Select); coding-DNA position 3374, C replaced by A.
Protein change: p.Ser1125Ter; replaces serine 1125 with a stop codon.
Molecular consequence: nonsense.
Genome position (GRCh38, 1-based): chrX:32,463,497, G>T on the plus strand (C>A on the coding strand, the complement: DMD is on the minus strand). VCF-style: chrX-32463497-G-T. GRCh37 (hg19) VCF-style: chrX-32481614-G-T.
Other names: c.3350C>A, p.Ser1117Ter (NM_000109.4); c.3362C>A, p.Ser1121Ter (NM_004009.3); c.3005C>A, p.Ser1002Ter (NM_004010.3); short protein forms S1125*, S1117*, S1002*, S1121*.
Identifiers: ClinVar variation 598713 (VCV000598713.11), dbSNP rs374744331, ClinGen allele CA412664414.

ClinVar aggregate classification (germline): Pathogenic. Review status: criteria provided, multiple submitters, no conflicts (2 of 4 stars). 2 submissions from 2 submitters: Pathogenic (2). Last evaluated 2021-04-29.

Conditions:
Duchenne muscular dystrophy (DMD). Also called: MUSCULAR DYSTROPHY, PSEUDOHYPERTROPHIC PROGRESSIVE, DUCHENNE TYPE; Duchenne Muscular Dystrophy (DMD). Identifiers: Orphanet 98896, MedGen C0013264, MONDO:0010679, OMIM 310200.

Submissions (2):

Labcorp Genetics (formerly Invitae), Labcorp
Classification: Pathogenic for Duchenne muscular dystrophy. Last evaluated: 2021-04-29. Review status: criteria provided, single submitter. Criteria: Invitae Variant Classification Sherloc (09022015). Collection method: clinical testing. Allele origin: germline.
Comment: This variant has not been reported in the literature in individuals with DMD-related conditions. ClinVar contains an entry for this variant (Variation ID: 598713). For these reasons, this variant has been classified as Pathogenic. This variant is not present in population databases (ExAC no frequency). This sequence change creates a premature translational stop signal (p.Ser1125*) in the DMD gene. It is expected to result in an absent or disrupted protein product. Loss-of-function variants in DMD are known to be pathogenic (PMID: 16770791, 25007885).

Eurofins Ntd Llc (ga)
Classification: Pathogenic. Last evaluated: 2018-09-14. Review status: criteria provided, single submitter. Criteria: EGL ClinVar v180209 classification definitions. Collection method: clinical testing. Allele origin: germline. Observed: 1 variant allele, 1 hemizygote.

Literature cited by the submitters: PubMed 16770791 (cited by Labcorp Genetics (formerly Invitae), Labcorp); PubMed 25007885 (cited by Labcorp Genetics (formerly Invitae), Labcorp).